The following is an entry in ClinVar:

ClinVar aggregate classification (germline): Uncertain significance (1 of 4 stars; one submission).

Conditions:
Amyotrophic lateral sclerosis type 1 (ALS1). Also called: AMYOTROPHIC LATERAL SCLEROSIS 1, FAMILIAL. Identifiers: Orphanet 803, MedGen C1862939, MONDO:0007103, OMIM 105400.
Perry syndrome. Also called: PARKINSONISM WITH ALVEOLAR HYPOVENTILATION AND MENTAL DEPRESSION. Identifiers: Orphanet 178509, MedGen C1868594, MONDO:0008201, OMIM 168605.
Neuronopathy, distal hereditary motor, type 7B. Also called: LOWER MOTOR NEURON DISEASE, DYNACTIN TYPE; HMN VIIB; Distal Hereditary Motor Neuronopathy Type 7B (dHMN7B); NEURONOPATHY, DISTAL HEREDITARY MOTOR, AUTOSOMAL DOMINANT 14; NEURONOPATHY, DISTAL HEREDITARY MOTOR, HARDING TYPE VIIB; NEUROPATHY, DISTAL HEREDITARY MOTOR, HARDING TYPE VIIB. Identifiers: Orphanet 139589, MedGen C1843315, MONDO:0011879, OMIM 607641.

Allele frequency attached by ClinVar (database versions not stated): gnomAD 0.00001 and 0.00002; TOPMed 0.00001; ExAC 0.00002; gnomAD exomes 0.00002; 1000 Genomes Project 30x 0.00016; 1000 Genomes Project 0.00020.
gnomAD v4.1: 27 of 1,613,726 alleles (0.0017%); highest among the groups gnomAD compares: South Asian, 0.0044%; no homozygotes.

Submission:

Labcorp Genetics (formerly Invitae), Labcorp
Classification: Uncertain significance for Amyotrophic lateral sclerosis type 1; Neuronopathy, distal hereditary motor, type 7B; Perry syndrome. Last evaluated: 2024-03-28. Review status: criteria provided, single submitter. Criteria: Invitae Variant Classification Sherloc (09022015). Collection method: clinical testing. Allele origin: germline.
Comment: This sequence change replaces arginine, which is basic and polar, with histidine, which is basic and polar, at codon 1214 of the DCTN1 protein (p.Arg1214His). This variant is present in population databases (rs554008879, gnomAD 0.007%). This variant has not been reported in the literature in individuals affected with DCTN1-related conditions. ClinVar contains an entry for this variant (Variation ID: 1418257). Advanced modeling of protein sequence and biophysical properties (such as structural, functional, and spatial information, amino acid conservation, physicochemical variation, residue mobility, and thermodynamic stability) performed at Invitae indicates that this missense variant is not expected to disrupt DCTN1 protein function with a negative predictive value of 80%. In summary, the available evidence is currently insufficient to determine the role of this variant in disease. Therefore, it has been classified as a Variant of Uncertain Significance.

NM_004082.5(DCTN1):c.3641G>A (p.Arg1214His)

Gene: DCTN1 (dynactin subunit 1; minus strand). Cytogenetic location: 2p13.1.
Variant type: single nucleotide variant.
Coding change: c.3641G>A on transcript NM_004082.5 (MANE Select); coding-DNA position 3641, G replaced by A.
Protein change: p.Arg1214His; replaces arginine 1214 with histidine.
Molecular consequence: missense variant. On other transcripts: non-coding transcript variant (1).
Genome position (GRCh38, 1-based): chr2:74,362,110, C>T on the plus strand (G>A on the coding strand, the complement: DCTN1 is on the minus strand). VCF-style: chr2-74362110-C-T. GRCh37 (hg19) VCF-style: chr2-74589237-C-T.
Other names: c.3566G>A, p.Arg1189His (NM_001135040.3); c.3224G>A, p.Arg1075His (NM_001135041.3); c.3515G>A, p.Arg1172His (NM_001190836.2); c.3620G>A, p.Arg1207His (NM_001190837.2); c.3590G>A, p.Arg1197His (NM_001378991.1); c.3572G>A, p.Arg1191His (NM_001378992.1); c.3239G>A, p.Arg1080His (NM_023019.4); short protein forms R1214H, R1075H, R1189H, R1207H, R1080H, R1191H, R1172H, R1197H.
Identifiers: ClinVar variation 1418257 (VCV001418257.6), dbSNP rs554008879, ClinGen allele CA1721405.